The following is an entry in ClinVar:

NM_006922.4(SCN3A):c.4871G>A (p.Arg1624His)

Gene: SCN3A (sodium voltage-gated channel alpha subunit 3; minus strand). Cytogenetic location: 2q24.3.
Variant type: single nucleotide variant.
Coding change: c.4871G>A on transcript NM_006922.4 (MANE Select); coding-DNA position 4871, G replaced by A.
Protein change: p.Arg1624His; replaces arginine 1624 with histidine.
Molecular consequence: missense variant.
Genome position (GRCh38, 1-based): chr2:165,091,282, C>T on the plus strand (G>A on the coding strand, the complement: SCN3A is on the minus strand). VCF-style: chr2-165091282-C-T. GRCh37 (hg19) VCF-style: chr2-165947792-C-T.
Other names: c.4871G>A (NM_006922.3); c.4724G>A, p.Arg1575His (NM_001081676.2, NM_001081677.2); short protein forms R1575H, R1624H.
Identifiers: ClinVar variation 1059685 (VCV001059685.10), dbSNP rs1483286239, ClinGen allele CA349018239.
Genomic context (GRCh38, chr2:165,091,282, plus strand): 5'-AGCGTGCGGATCCCCTTTGCTCCTTTGATCAGACGTAGGATTCGGCCAATCCTGGCAAGA[C>T]GGATCACTCGGAACAAGGTAGGGGACACAAAATACTTTTCTATCATCTCAGCCAGAAACA-3'
Protein context (NP_008853.3, residues 1614-1634): FVSPTLFRVI[Arg1624His]LARIGRILRL

ClinVar aggregate classification (germline): Uncertain significance. Review status: criteria provided, multiple submitters, no conflicts (2 of 4 stars). 2 submissions from 2 submitters: Uncertain significance (2). Last evaluated 2024-03-03.

Allele frequency attached by ClinVar (database versions not stated): TOPMed below 0.00001; gnomAD exomes 0.00001.
gnomAD v4.1: 3 of 1,614,086 alleles (0.00019%); highest among the groups gnomAD compares: African/African-American, 0.0013%; no homozygotes.

Submissions (2):

GeneDx
Classification: Uncertain significance. Last evaluated: 2024-03-03. Review status: criteria provided, single submitter. Criteria: GeneDx Variant Classification Process June 2021. Collection method: clinical testing. Allele origin: germline. Affected: yes.
Comment: Not observed at significant frequency in large population cohorts (gnomAD); In silico analysis supports that this missense variant has a deleterious effect on protein structure/function; Has not been previously published as pathogenic or benign to our knowledge

Labcorp Genetics (formerly Invitae), Labcorp
Classification: Uncertain significance. Last evaluated: 2021-05-27. Review status: criteria provided, single submitter. Criteria: Invitae Variant Classification Sherloc (09022015). Collection method: clinical testing. Allele origin: germline.
Comment: In summary, the available evidence is currently insufficient to determine the role of this variant in disease. Therefore, it has been classified as a Variant of Uncertain Significance. Algorithms developed to predict the effect of missense changes on protein structure and function are either unavailable or do not agree on the potential impact of this missense change (SIFT: "Deleterious"; PolyPhen-2: "Probably Damaging"; Align-GVGD: "Class C0"). This variant has not been reported in the literature in individuals with SCN3A-related conditions. This variant is not present in population databases (ExAC no frequency). This sequence change replaces arginine with histidine at codon 1624 of the SCN3A protein (p.Arg1624His). The arginine residue is moderately conserved and there is a small physicochemical difference between arginine and histidine.